The following is an entry in ClinVar:

ClinVar aggregate classification (germline): Conflicting classifications of pathogenicity. Review status: criteria provided, conflicting classifications (1 of 4 stars). 6 submissions from 6 submitters: Pathogenic (2); Likely pathogenic (3); Uncertain significance (1). Last evaluated 2024-09-17.

Conditions:
Pontocerebellar hypoplasia type 4 (PCH4). Also called: Pontocerebellar Hypoplasia Type 4 (PCH4). Identifiers: Orphanet 166063, MedGen C1856974, MONDO:0009166, OMIM 225753.
Pontocerebellar hypoplasia type 2A (PCH2A). Also called: PONTOCEREBELLAR HYPOPLASIA WITH PROGRESSIVE CEREBRAL ATROPHY; VOLENDAM NEURODEGENERATIVE DISEASE. Identifiers: Orphanet 2524, MedGen C1848526, MONDO:0010190, OMIM 277470.
Pontocerebellar hypoplasia type 5 (PCH5). Also called: Pontocerebellar Hypoplasia Type 5 (PCH5). Identifiers: Orphanet 166068, MedGen C1857762, MONDO:0012438, OMIM 610204.

Allele frequency attached by ClinVar (database versions not stated): ESP Exome Variant Server 0.00023; TOPMed 0.00002; gnomAD 0.00003; gnomAD exomes 0.00005; ExAC 0.00010.
gnomAD v4.1: 44 of 1,577,112 alleles (0.0028%); highest among the groups gnomAD compares: African/African-American, 0.0068%; no homozygotes.

Submissions (6):

Blueprint Genetics
Classification: Uncertain significance. Last evaluated: 2024-09-17. Review status: criteria provided, single submitter. Criteria: ACMG Guidelines, 2015. Collection method: clinical testing. Allele origin: germline.

Fulgent Genetics
Classification: Likely pathogenic for Pontocerebellar hypoplasia type 4; Pontocerebellar hypoplasia type 2A; Pontocerebellar hypoplasia type 5. Last evaluated: 2024-04-17. Review status: criteria provided, single submitter. Criteria: ACMG Guidelines, 2015. Collection method: clinical testing. Allele origin: germline.

Labcorp Genetics (formerly Invitae), Labcorp
Classification: Pathogenic. Last evaluated: 2024-03-08. Review status: criteria provided, single submitter. Criteria: Invitae Variant Classification Sherloc (09022015). Collection method: clinical testing. Allele origin: germline.
Comment: This sequence change creates a premature translational stop signal (p.Lys347*) in the TSEN54 gene. It is expected to result in an absent or disrupted protein product. Loss-of-function variants in TSEN54 are known to be pathogenic (PMID: 18711368, 20952379). This variant is present in population databases (rs143604970, gnomAD 0.02%). This variant has not been reported in the literature in individuals affected with TSEN54-related conditions. ClinVar contains an entry for this variant (Variation ID: 620188). For these reasons, this variant has been classified as Pathogenic.

Revvity Omics, Revvity
Classification: Likely pathogenic. Last evaluated: 2021-04-03. Review status: criteria provided, single submitter. Criteria: ACMG Guidelines, 2015. Collection method: clinical testing. Allele origin: germline.

GeneDx
Classification: Likely pathogenic. Last evaluated: 2018-03-13. Review status: criteria provided, single submitter. Criteria: GeneDx Variant Classification (06012015). Collection method: clinical testing. Allele origin: germline. Affected: yes.
Comment: A variant that is likely pathogenic has been identified in the TSEN54 gene. The K347X variant has not been published as a pathogenic variant, nor has it been reported as a benign variant to our knowledge. The K347X nonsense variant is predicted to cause loss of normal protein function either through protein truncation or nonsense-mediated mRNA decay. The K347X variant is not observed at a significant frequency in large population cohorts (Lek et al., 2016). Therefore, this variant is likely pathogenic; however, the possibility that it is benign cannot be excluded.

Kariminejad - Najmabadi Pathology & Genetics Center
Classification: Pathogenic for Pontocerebellar hypoplasia type 5. Review status: criteria provided, single submitter. Criteria: ACMG Guidelines, 2015. Collection method: clinical testing. Allele origin: germline. Affected: no.

Literature cited by the submitters: PubMed 18711368 (cited by Labcorp Genetics (formerly Invitae), Labcorp); PubMed 20952379 (cited by Labcorp Genetics (formerly Invitae), Labcorp).

NM_207346.3(TSEN54):c.1039A>T (p.Lys347Ter)

Gene: TSEN54 (tRNA splicing endonuclease subunit 54; plus strand). Cytogenetic location: 17q25.1.
Variant type: single nucleotide variant.
Coding change: c.1039A>T on transcript NM_207346.3 (MANE Select); coding-DNA position 1039, A replaced by T.
Protein change: p.Lys347Ter; replaces lysine 347 with a stop codon.
Molecular consequence: nonsense.
Genome position (GRCh38, 1-based): chr17:75,522,120, A>T. VCF-style: chr17-75522120-A-T. GRCh37 (hg19) VCF-style: chr17-73518201-A-T.
Other names: short protein forms K347*.
Identifiers: ClinVar variation 620188 (VCV000620188.15), dbSNP rs143604970, ClinGen allele CA8764327.